The following is an entry in ClinVar:

ClinVar aggregate classification (germline): Pathogenic (1 of 4 stars; one submission).

Conditions:
Hereditary cancer-predisposing syndrome. Also called: Hereditary Cancer Syndrome; Neoplastic Syndromes, Hereditary; Hereditary neoplastic syndrome; Tumor predisposition. Identifiers: Orphanet 140162, MedGen C0027672, MeSH D009386, MONDO:0015356.

Submission:

Ambry Genetics
Classification: Pathogenic for Hereditary cancer-predisposing syndrome. Last evaluated: 2014-04-02. Review status: criteria provided, single submitter. Criteria: Ambry Autosomal Dominant and X-Linked criteria (10/2015). Collection method: clinical testing. Allele origin: germline. Observed: 1 variant allele.
Comment: This alteration is expected to result in loss of function by premature protein truncation or nonsense-mediatedâ€¯mRNAâ€¯decay.â€¯As such, this alteration is interpreted as a disease-causing mutation.

NM_000038.6(APC):c.1101del (p.Val368fs)

Gene: APC (APC regulator of Wnt signaling pathway; plus strand). Cytogenetic location: 5q22.2.
Variant type: Deletion.
Coding change: c.1101del on transcript NM_000038.6 (MANE Select); coding-DNA position 1101, one base deleted (T; older notation c.1101delT).
Protein change: p.Val368fs; shifts the reading frame from valine 368.
Molecular consequence: frameshift variant. On other transcripts: intron variant (4).
Genome position (GRCh38, 1-based): chr5:112,819,133, T deleted. VCF-style (leftmost placement, unchanged base first): chr5-112819132-CT-C. GRCh37 (hg19) VCF-style: chr5-112154829-CT-C.
Other names: c.1101del, p.Val368fs (NM_001127510.3, NM_001354895.2, NM_001354896.2); c.1047del, p.Val350fs (NM_001127511.3); c.1131del, p.Val378fs (NM_001354897.2); c.1026del, p.Val343fs (NM_001354898.2); c.1017del, p.Val340fs (NM_001354899.2); c.924del, p.Val309fs (NM_001354900.2, NM_001354901.2); c.252del, p.Val85fs (NM_001354906.2); c.964-136del (NM_001354902.2); and 3 more; short protein forms V350fs, V309fs, V340fs, V378fs, V368fs, V85fs, V343fs.
Identifiers: ClinVar variation 142820 (VCV000142820.3), dbSNP rs587782744, ClinGen allele CA004053.
Genomic context (GRCh38, chr5:112,819,132, plus strand): 5'-TGCGACAGTCTGGATGTCTTCCTCTCCTCATCCAGCTTTTACATGGCAATGACAAAGACT[CT>C]GTATTGTTGGGAAATTCCCGGGGCAGTAAAGAGGCTCGGGCCAGGGCCAGTGCAGCACTC-3'